The following is an entry in ClinVar:

ClinVar aggregate classification (germline): Uncertain significance (1 of 4 stars; one submission).

Allele frequency attached by ClinVar (database versions not stated): gnomAD exomes below 0.00001.
gnomAD v4.1: 5 of 1,613,286 alleles (0.00031%); highest among the groups gnomAD compares: Middle Eastern, 0.033%; no homozygotes.

Submission:

Labcorp Genetics (formerly Invitae), Labcorp
Classification: Uncertain significance. Last evaluated: 2022-05-27. Review status: criteria provided, single submitter. Criteria: Invitae Variant Classification Sherloc (09022015). Collection method: clinical testing. Allele origin: germline.
Comment: This sequence change replaces methionine, which is neutral and non-polar, with threonine, which is neutral and polar, at codon 435 of the HMCN1 protein (p.Met435Thr). This variant is not present in population databases (gnomAD no frequency). This variant has not been reported in the literature in individuals affected with HMCN1-related conditions. Algorithms developed to predict the effect of missense changes on protein structure and function are either unavailable or do not agree on the potential impact of this missense change (SIFT: "Deleterious"; PolyPhen-2: "Possibly Damaging"; Align-GVGD: "Class C0"). In summary, the available evidence is currently insufficient to determine the role of this variant in disease. Therefore, it has been classified as a Variant of Uncertain Significance.

NM_031935.3(HMCN1):c.1304T>C (p.Met435Thr)

Gene: HMCN1 (hemicentin 1; plus strand). Cytogenetic location: 1q31.1.
Variant type: single nucleotide variant.
Coding change: c.1304T>C on transcript NM_031935.3 (MANE Select); coding-DNA position 1304, T replaced by C.
Protein change: p.Met435Thr; replaces methionine 435 with threonine.
Molecular consequence: missense variant.
Genome position (GRCh38, 1-based): chr1:185,925,065, T>C. VCF-style: chr1-185925065-T-C. GRCh37 (hg19) VCF-style: chr1-185894197-T-C.
Other names: short protein forms M435T.
Identifiers: ClinVar variation 1897199 (VCV001897199.5), dbSNP rs1667209942, ClinGen allele CA343894857.
Genomic context (GRCh38, chr1:185,925,065, plus strand): 5'-CTTGCTTAAGTTTTTTGTTTTTGTTTTTGTTTTTTTTCCTAGATGCTCCCAAAGTTACGA[T>C]GCCTGAGAAAACCCCAGGATACTATCTGCAGCCGGGCCAAATTCCCTGCTCTGTTGACAG-3'
Protein context (NP_114141.2, residues 425-445): SIVPDAPKVT[Met435Thr]PEKTPGYYLQ